The following is an entry in ClinVar:

ClinVar aggregate classification (germline): Uncertain significance. Review status: criteria provided, multiple submitters, no conflicts (2 of 4 stars). 2 submissions from 2 submitters: Uncertain significance (2). Last evaluated 2022-06-20.

Conditions:
Cranioectodermal dysplasia 1 (CED1). Also called: LEVIN SYNDROME I. Identifiers: Orphanet 1515, MedGen C0432235, MONDO:0021093, OMIM 218330.

Allele frequency attached by ClinVar (database versions not stated): ExAC 0.00001; gnomAD exomes 0.00003 and 0.00010; gnomAD 0.00004; TOPMed 0.00005.
gnomAD v4.1: 152 of 1,613,954 alleles (0.0094%); highest among the groups gnomAD compares: Non-Finnish European, 0.012%; no homozygotes.

Submissions (2):

Labcorp Genetics (formerly Invitae), Labcorp
Classification: Uncertain significance for Cranioectodermal dysplasia 1. Last evaluated: 2022-06-20. Review status: criteria provided, single submitter. Criteria: Invitae Variant Classification Sherloc (09022015). Collection method: clinical testing. Allele origin: germline.
Comment: This sequence change replaces serine, which is neutral and polar, with phenylalanine, which is neutral and non-polar, at codon 226 of the IFT122 protein (p.Ser226Phe). This variant is present in population databases (rs777645844, gnomAD 0.006%). This variant has not been reported in the literature in individuals affected with IFT122-related conditions. Algorithms developed to predict the effect of missense changes on protein structure and function are either unavailable or do not agree on the potential impact of this missense change (SIFT: "Tolerated"; PolyPhen-2: "Possibly Damaging"; Align-GVGD: "Class C0"). In summary, the available evidence is currently insufficient to determine the role of this variant in disease. Therefore, it has been classified as a Variant of Uncertain Significance.

Fulgent Genetics
Classification: Uncertain significance for Cranioectodermal dysplasia 1. Last evaluated: 2022-03-15. Review status: criteria provided, single submitter. Criteria: ACMG Guidelines, 2015. Collection method: clinical testing. Allele origin: unknown.

NM_052989.3(IFT122):c.524C>T (p.Ser175Phe)

Gene: IFT122 (intraflagellar transport 122; plus strand). Cytogenetic location: 3q21.3.
Variant type: single nucleotide variant.
Coding change: c.524C>T on transcript NM_052989.3 (MANE Select); coding-DNA position 524, C replaced by T.
Protein change: p.Ser175Phe; replaces serine 175 with phenylalanine.
Molecular consequence: missense variant.
Genome position (GRCh38, 1-based): chr3:129,464,742, C>T. VCF-style: chr3-129464742-C-T. GRCh37 (hg19) VCF-style: chr3-129183585-C-T.
Other names: c.74C>T, p.Ser25Phe (NM_001280545.2, NM_001280546.2); c.524C>T, p.Ser175Phe (NM_018262.4); c.677C>T, p.Ser226Phe (NM_052985.4, NM_001280541.2); c.368C>T, p.Ser123Phe (NM_052990.3); short protein forms S123F, S175F, S226F, S25F.
Identifiers: ClinVar variation 1499970 (VCV001499970.6), dbSNP rs777645844, ClinGen allele CA2605901.
Genomic context (GRCh38, chr3:129,464,742, plus strand): 5'-TCATCAGCATACGGAACAAAAATGGCGAGGAGAAAGTAAAGATCGAGCGGCCGGGGGGCT[C>T]CCTCTCGCCAATATGGTCCATCTGCTGGAACCCTTCAAGGTACTCTTAAAGTTGTCCTCC-3'
Protein context (NP_443715.1, residues 165-185): EKVKIERPGG[Ser175Phe]LSPIWSICWN